The following is an entry in ClinVar:

ClinVar aggregate classification (germline): Pathogenic (1 of 4 stars; one submission).

Submission:

Labcorp Genetics (formerly Invitae), Labcorp
Classification: Pathogenic. Last evaluated: 2023-04-08. Review status: criteria provided, single submitter. Criteria: Invitae Variant Classification Sherloc (09022015). Collection method: clinical testing. Allele origin: germline.
Comment: For these reasons, this variant has been classified as Pathogenic. ClinVar contains an entry for this variant (Variation ID: 1071264). This variant has not been reported in the literature in individuals affected with MYO7A-related conditions. This variant is present in population databases (rs772008531, gnomAD 0.006%). This sequence change creates a premature translational stop signal (p.Leu1969Phefs*107) in the MYO7A gene. It is expected to result in an absent or disrupted protein product. Loss-of-function variants in MYO7A are known to be pathogenic (PMID: 8900236, 25404053).

Literature cited by the submitters: PubMed 8900236; PubMed 25404053.

NM_000260.4(MYO7A):c.5906dup (p.Leu1969fs)

Gene: MYO7A (myosin VIIA; plus strand). Cytogenetic location: 11q13.5.
Variant type: Duplication.
Coding change: c.5906dup on transcript NM_000260.4 (MANE Select); coding-DNA position 5906, one base duplicated (T; older notation c.5906dupT).
Protein change: p.Leu1969fs; shifts the reading frame from leucine 1969.
Molecular consequence: frameshift variant.
Genome position (GRCh38, 1-based): chr11:77,208,479, T duplicated; the last of 2 consecutive T bases (chr11:77,208,478-77,208,479); duplicating either gives the same sequence. VCF-style (leftmost placement, unchanged base first): chr11-77208477-C-CT. GRCh37 (hg19) VCF-style: chr11-76919522-C-CT.
Other names: c.5792dup, p.Leu1931fs (NM_001127180.2); c.5759dup, p.Leu1920fs (NM_001369365.1); short protein forms L1920fs, L1931fs, L1969fs.
Identifiers: ClinVar variation 1071264 (VCV001071264.7), dbSNP rs772008531, ClinGen allele CA6198865.